The following is an entry in ClinVar:

ClinVar aggregate classification (germline): Conflicting classifications of pathogenicity. Review status: criteria provided, conflicting classifications (1 of 4 stars). 6 submissions from 6 submitters: Uncertain significance (1); Benign (2); Likely benign (3). Last evaluated 2025-05-11.

Conditions:
Pitt-Hopkins-like syndrome 2 (PTHSL2). Identifiers: Orphanet 221150, Orphanet 600663, MedGen C3280479, MONDO:0013690, OMIM 614325.
Inborn genetic diseases. Identifiers: MedGen C0950123, MeSH D030342.

Allele frequency attached by ClinVar (database versions not stated): gnomAD 0.00006 and 0.00010; gnomAD exomes 0.00011 and 0.00025; TOPMed 0.00012; 1000 Genomes Project 30x 0.00016; 1000 Genomes Project 0.00020; ExAC 0.00027.
gnomAD v4.1: 168 of 1,613,820 alleles (0.01%); highest among the groups gnomAD compares: East Asian, 0.35%; no homozygotes.

Submissions (6):

Labcorp Genetics (formerly Invitae), Labcorp
Classification: Benign for Pitt-Hopkins-like syndrome 2. Last evaluated: 2025-05-11. Review status: criteria provided, single submitter. Criteria: Invitae Variant Classification Sherloc (09022015). Collection method: clinical testing. Allele origin: germline.

Blueprint Genetics
Classification: Likely benign. Last evaluated: 2023-12-18. Review status: criteria provided, single submitter. Criteria: ACMG Guidelines, 2015. Collection method: clinical testing. Allele origin: germline.

Illumina Laboratory Services, Illumina
Classification: Likely benign for Pitt-Hopkins-like syndrome 2. Last evaluated: 2018-01-13. Review status: criteria provided, single submitter. Criteria: ICSL Variant Classification Criteria 13 December 2019. Collection method: clinical testing. Allele origin: germline.
Comment: This variant was observed in the ICSL laboratory as part of a predisposition screen in an ostensibly healthy population. It had not been previously curated by ICSL or reported in the Human Gene Mutation Database (HGMD: prior to June 1st, 2018), and was therefore a candidate for classification through an automated scoring system. Utilizing variant allele frequency, disease prevalence and penetrance estimates, and inheritance mode, an automated score was calculated to assess if this variant is too frequent to cause the disease. Based on the score and internal cut-off values, a variant classified as likely benign is not then subjected to further curation. The score for this variant resulted in a classification of likely benign for this disease.

Ambry Genetics
Classification: Likely benign for Inborn genetic diseases. Last evaluated: 2016-03-04. Review status: criteria provided, single submitter. Criteria: Ambry Variant Classification Scheme 2023. Collection method: clinical testing. Allele origin: germline.

GeneDx
Classification: Benign. Last evaluated: 2014-05-28. Review status: criteria provided, single submitter. Criteria: GeneDx Variant Classification (06012015). Collection method: clinical testing. Allele origin: germline. Affected: yes.
Comment: This variant is considered likely benign or benign based on one or more of the following criteria: it is a conservative change, it occurs at a poorly conserved position in the protein, it is predicted to be benign by multiple in silico algorithms, and/or has population frequency not consistent with disease.

Eurofins Ntd Llc (ga)
Classification: Uncertain significance. Last evaluated: 2012-12-04. Review status: criteria provided, single submitter. Criteria: EGL Classification Definitions 2015. Collection method: clinical testing. Allele origin: germline. Observed: 1 variant allele, 1 heterozygote.

NM_001330078.2(NRXN1):c.2730G>A (p.Lys910=)

Gene: NRXN1 (neurexin 1; minus strand). Cytogenetic location: 2p16.3.
Variant type: single nucleotide variant.
Coding change: c.2730G>A on transcript NM_001330078.2 (MANE Select); coding-DNA position 2730, G replaced by A.
Protein change: p.Lys910=; no amino-acid change (lysine 910 retained).
Molecular consequence: synonymous variant.
Genome position (GRCh38, 1-based): chr2:50,497,482, C>T on the plus strand (G>A on the coding strand, the complement: NRXN1 is on the minus strand). VCF-style: chr2-50497482-C-T. GRCh37 (hg19) VCF-style: chr2-50724620-C-T.
Other names: p.K950K:AAG>AAA; c.2850G>A, p.Lys950= (NM_001135659.3); c.2706G>A, p.Lys902= (NM_001330077.2, NM_001330082.2); c.2664G>A, p.Lys888= (NM_001330083.2, NM_001330084.2); c.2703G>A, p.Lys901= (NM_001330085.2); c.2730G>A, p.Lys910= (NM_001330086.2, NM_004801.6); c.2619G>A, p.Lys873= (NM_001330087.2, NM_001330096.2); c.2649G>A, p.Lys883= (NM_001330088.2); and 3 more.
Identifiers: ClinVar variation 93593 (VCV000093593.24), dbSNP rs192909520, ClinGen allele CA221531.